The following is an entry in ClinVar:

NM_017780.4(CHD7):c.8933G>T (p.Gly2978Val)

Gene: CHD7 (chromodomain helicase DNA binding protein 7; plus strand). Cytogenetic location: 8q12.2.
Variant type: single nucleotide variant.
Coding change: c.8933G>T on transcript NM_017780.4 (MANE Select); coding-DNA position 8933, G replaced by T.
Protein change: p.Gly2978Val; replaces glycine 2978 with valine.
Molecular consequence: missense variant.
Genome position (GRCh38, 1-based): chr8:60,865,872, G>T. VCF-style: chr8-60865872-G-T. GRCh37 (hg19) VCF-style: chr8-61778431-G-T.
Other names: c.2786G>T, p.Gly929Val (NM_001316690.1); short protein forms G2978V, G929V.
Identifiers: ClinVar variation 2149894 (VCV002149894.6), dbSNP rs1392645019, ClinGen allele CA371313313.
Genomic context (GRCh38, chr8:60,865,872, plus strand): 5'-CCGAGGAGAGCCTGGATAAGACTGCAGAGTCCTCCCTCTTAGAAGACGAAATAGCACAGG[G>T]TGAAGAGCTAGACTCACTTGATGGGGGGGATGAAATAGAAAACAATGAAAATGATGAATA-3'
Protein context (NP_060250.2, residues 2968-2988): SSLLEDEIAQ[Gly2978Val]EELDSLDGGD

ClinVar aggregate classification (germline): Uncertain significance. Review status: criteria provided, multiple submitters, no conflicts (2 of 4 stars). 3 submissions from 3 submitters: Uncertain significance (3). Last evaluated 2023-11-19.

Conditions:
CHARGE syndrome (CHARGE). Also called: Hittner Hirsch Kreh syndrome; CHARGE ASSOCIATION--COLOBOMA, HEART ANOMALY, CHOANAL ATRESIA, RETARDATION, GENITAL AND EAR ANOMALIES; Coloboma, heart anomaly, choanal atresia, retardation, genital and ear anomalies; CHARGE association; Hall-Hittner syndrome. Identifiers: Orphanet 138, MedGen C0265354, MONDO:0008965.

Allele frequency attached by ClinVar (database versions not stated): gnomAD 0.00001; TOPMed 0.00001.
gnomAD v4.1: 2 of 1,611,958 alleles (0.00012%); highest among the groups gnomAD compares: African/African-American, 0.0013%; no homozygotes.

Submissions (3):

Labcorp Genetics (formerly Invitae), Labcorp
Classification: Uncertain significance for CHARGE syndrome. Last evaluated: 2023-11-19. Review status: criteria provided, single submitter. Criteria: Invitae Variant Classification Sherloc (09022015). Collection method: clinical testing. Allele origin: germline.
Comment: This sequence change replaces glycine, which is neutral and non-polar, with valine, which is neutral and non-polar, at codon 2978 of the CHD7 protein (p.Gly2978Val). This variant is not present in population databases (gnomAD no frequency). This variant has not been reported in the literature in individuals affected with CHD7-related conditions. ClinVar contains an entry for this variant (Variation ID: 2149894). Advanced modeling of protein sequence and biophysical properties (such as structural, functional, and spatial information, amino acid conservation, physicochemical variation, residue mobility, and thermodynamic stability) performed at Invitae indicates that this missense variant is not expected to disrupt CHD7 protein function with a negative predictive value of 95%. Algorithms developed to predict the effect of sequence changes on RNA splicing suggest that this variant may create or strengthen a splice site. In summary, the available evidence is currently insufficient to determine the role of this variant in disease. Therefore, it has been classified as a Variant of Uncertain Significance.

GeneDx
Classification: Uncertain significance. Last evaluated: 2023-06-09. Review status: criteria provided, single submitter. Criteria: GeneDx Variant Classification Process June 2021. Collection method: clinical testing. Allele origin: germline. Affected: yes.
Comment: Not observed at significant frequency in large population cohorts (gnomAD); In silico analysis supports that this missense variant does not alter protein structure/function; Has not been previously published as pathogenic or benign to our knowledge

Blueprint Genetics
Classification: Uncertain significance. Last evaluated: 2019-11-08. Review status: criteria provided, single submitter. Criteria: ACMG Guidelines, 2015. Collection method: clinical testing. Allele origin: germline.